The following is an entry in ClinVar:

NM_005219.5(DIAPH1):c.2466G>T (p.Gln822His)

Gene: DIAPH1 (diaphanous related formin 1; minus strand). Cytogenetic location: 5q31.3.
Variant type: single nucleotide variant.
Coding change: c.2466G>T on transcript NM_005219.5 (MANE Select); coding-DNA position 2466, G replaced by T.
Protein change: p.Gln822His; replaces glutamine 822 with histidine.
Molecular consequence: missense variant.
Genome position (GRCh38, 1-based): chr5:141,571,933, C>A on the plus strand (G>T on the coding strand, the complement: DIAPH1 is on the minus strand). VCF-style: chr5-141571933-C-A. GRCh37 (hg19) VCF-style: chr5-140951500-C-A.
Other names: c.2439G>T, p.Gln813His (NM_001079812.3); c.2466G>T, p.Gln822His (NM_001314007.2); short protein forms Q813H, Q822H.
Identifiers: ClinVar variation 3750674 (VCV003750674.2).

ClinVar aggregate classification (germline): Uncertain significance (1 of 4 stars; one submission).

Conditions:
Autosomal dominant nonsyndromic hearing loss 1. Also called: KONIGSMARK SYNDROME; DEAFNESS, AUTOSOMAL DOMINANT 1, WITH OR WITHOUT THROMBOCYTOPENIA. Identifiers: Orphanet 90635, MedGen C1852282, MONDO:0007424, OMIM 124900.
Progressive microcephaly-seizures-cortical blindness-developmental delay syndrome. Also called: Seizures, cortical blindness, and microcephaly syndrome. Identifiers: Orphanet 477814, MedGen C5567650, MONDO:0014714, OMIM 616632.

Submission:

Labcorp Genetics (formerly Invitae), Labcorp
Classification: Uncertain significance for Progressive microcephaly-seizures-cortical blindness-developmental delay syndrome; Autosomal dominant nonsyndromic hearing loss 1. Last evaluated: 2024-09-06. Review status: criteria provided, single submitter. Criteria: Invitae Variant Classification Sherloc (09022015). Collection method: clinical testing. Allele origin: germline.
Comment: This sequence change replaces glutamine, which is neutral and polar, with histidine, which is basic and polar, at codon 822 of the DIAPH1 protein (p.Gln822His). This variant is not present in population databases (gnomAD no frequency). This variant has not been reported in the literature in individuals affected with DIAPH1-related conditions. An algorithm developed to predict the effect of missense changes on protein structure and function (PolyPhen-2) suggests that this variant is likely to be disruptive. In summary, the available evidence is currently insufficient to determine the role of this variant in disease. Therefore, it has been classified as a Variant of Uncertain Significance.